The following is an entry in ClinVar:

NM_002693.3(POLG):c.1122A>G (p.Arg374=)

Gene: POLG (DNA polymerase gamma, catalytic subunit; minus strand). Cytogenetic location: 15q26.1.
Variant type: single nucleotide variant.
Coding change: c.1122A>G on transcript NM_002693.3 (MANE Select); coding-DNA position 1122, A replaced by G.
Protein change: p.Arg374=; no amino-acid change (arginine 374 retained).
Molecular consequence: synonymous variant.
Genome position (GRCh38, 1-based): chr15:89,328,733, T>C on the plus strand (A>G on the coding strand, the complement: POLG is on the minus strand). VCF-style: chr15-89328733-T-C. GRCh37 (hg19) VCF-style: chr15-89871964-T-C.
Other names: c.1122A>G, p.Arg374= (NM_001126131.2).
Identifiers: ClinVar variation 388514 (VCV000388514.46), dbSNP rs372759057, ClinGen allele CA7724950.

ClinVar aggregate classification (germline): Likely benign. Review status: criteria provided, multiple submitters, no conflicts (2 of 4 stars). 6 submissions from 6 submitters: Likely benign (5). 1 of the submissions does not count toward it. Last evaluated 2025-07-23.

Conditions:
POLG-related disorder. Also called: POLG-Related Spectrum Disorders; POLG-related condition; POLG-Related Disorders. Identifiers: MedGen C4763519.
Inborn genetic diseases. Identifiers: MedGen C0950123, MeSH D030342.
Progressive sclerosing poliodystrophy (MTDPS4A). Also called: Mitochondrial DNA depletion syndrome 4A (Alpers type); Alpers-Huttenlocher Syndrome (AHS); Alpers Syndrome; ALPERS DIFFUSE DEGENERATION OF CEREBRAL GRAY MATTER WITH HEPATIC CIRRHOSIS; Alpers-Huttenlocher Syndrome; Mitochondrial DNA Depletion Syndrome 4A. Identifiers: Orphanet 726, MedGen C0205710, MONDO:0008758, OMIM 203700.

Allele frequency attached by ClinVar (database versions not stated): gnomAD exomes 0.00001 and 0.00002; ExAC 0.00002; gnomAD 0.00006; ESP Exome Variant Server 0.00008; TOPMed 0.00009; 1000 Genomes Project 30x 0.00016; 1000 Genomes Project 0.00020.
gnomAD v4.1: 30 of 1,614,150 alleles (0.0019%); highest among the groups gnomAD compares: African/African-American, 0.029%; no homozygotes.

Submissions (6):

Athena Diagnostics
Classification: Likely benign. Last evaluated: 2025-07-23. Review status: criteria provided, single submitter. Criteria: Athena Diagnostics Criteria. Collection method: clinical testing. Allele origin: unknown.
Comment: Computational tools yielded predictions that this variant is unlikely to have an effect on normal RNA splicing. This nucleotide position exhibits low evolutionary conservation.

Labcorp Genetics (formerly Invitae), Labcorp
Classification: Likely benign for Progressive sclerosing poliodystrophy. Last evaluated: 2025-04-17. Review status: criteria provided, single submitter. Criteria: Invitae Variant Classification Sherloc (09022015). Collection method: clinical testing. Allele origin: germline.

GeneDx
Classification: Likely benign. Last evaluated: 2021-06-23. Review status: criteria provided, single submitter. Criteria: GeneDx Variant Classification Process June 2021. Collection method: clinical testing. Allele origin: germline. Affected: yes.

CeGaT Center for Human Genetics Tuebingen
Classification: Likely benign. Last evaluated: 2021-05-01. Review status: criteria provided, single submitter. Criteria: CeGaT Center For Human Genetics Tuebingen Variant Classification Criteria Version 2. Collection method: clinical testing. Allele origin: germline. Affected: yes. Observed: 1 variant allele.

Ambry Genetics
Classification: Likely benign for Inborn genetic diseases. Last evaluated: 2017-10-11. Review status: criteria provided, single submitter. Criteria: Ambry Variant Classification Scheme 2023. Collection method: clinical testing. Allele origin: germline.

PreventionGenetics, part of Exact Sciences
Classification: Likely benign for POLG-related condition. Last evaluated: 2023-02-17. Review status: no assertion criteria provided. Collection method: clinical testing. Allele origin: germline. Not counted in ClinVar's aggregate classification.
Comment: This variant is classified as likely benign based on ACMG/AMP sequence variant interpretation guidelines (Richards et al. 2015 PMID: 25741868, with internal and published modifications).